The following is an entry in ClinVar:

ClinVar aggregate classification (germline): Benign. Review status: criteria provided, multiple submitters, no conflicts (2 of 4 stars). 2 submissions from 2 submitters: Benign (2). Last evaluated 2018-06-19.

Allele frequency attached by ClinVar (database versions not stated): 1000 Genomes Project 0.00998; 1000 Genomes Project 30x 0.01046; TOPMed 0.02656; gnomAD 0.03256 and 0.03353; gnomAD exomes 0.03826.
gnomAD v4.1: 25,903 of 704,816 alleles (3.7%); highest among the groups gnomAD compares: Non-Finnish European, 4.9%; 673 homozygotes.

Submissions (2):

GeneDx
Classification: Benign. Last evaluated: 2018-06-19. Review status: criteria provided, single submitter. Criteria: GeneDx Variant Classification (06012015). Collection method: clinical testing. Allele origin: germline. Affected: yes.
Comment: This variant is considered likely benign or benign based on one or more of the following criteria: it is a conservative change, it occurs at a poorly conserved position in the protein, it is predicted to be benign by multiple in silico algorithms, and/or has population frequency not consistent with disease.

Breakthrough Genomics
Classification: Benign. Review status: criteria provided, single submitter. Criteria: ACMG Guidelines, 2015. Collection method: not provided. Allele origin: germline. Inheritance: Autosomal recessive inheritance. Affected: yes.

NM_000231.3(SGCG):c.578+145G>C

Gene: SGCG (sarcoglycan gamma; plus strand). Cytogenetic location: 13q12.12.
Variant type: single nucleotide variant.
Coding change: c.578+145G>C on transcript NM_000231.3 (MANE Select); 145 bases into the intron after coding-DNA position 578, G replaced by C.
Molecular consequence: intron variant.
Genome position (GRCh38, 1-based): chr13:23,295,632, G>C. VCF-style: chr13-23295632-G-C. GRCh37 (hg19) VCF-style: chr13-23869771-G-C.
Other names: c.632+145G>C (NM_001378244.1); c.578+145G>C (NM_001378245.1, NM_001378246.1).
Identifiers: ClinVar variation 670553 (VCV000670553.2), dbSNP rs41283950, ClinGen allele CA246660327.